The following is an entry in ClinVar:

ClinVar aggregate classification (germline): Uncertain significance. Review status: criteria provided, multiple submitters, no conflicts (2 of 4 stars). 3 submissions from 3 submitters: Uncertain significance (3). Last evaluated 2024-03-05.

Conditions:
Deficiency of malonyl-CoA decarboxylase. Also called: Malonic aciduria; MCD deficiency. Identifiers: Orphanet 943, MedGen C0342793, MONDO:0009556, OMIM 248360.

Allele frequency attached by ClinVar (database versions not stated): gnomAD exomes 0.00004 and 0.00007; ExAC 0.00005; ESP Exome Variant Server 0.00008; gnomAD 0.00009 and 0.00010; TOPMed 0.00012; 1000 Genomes Project 0.00020; 1000 Genomes Project 30x 0.00031.
gnomAD v4.1: 86 of 1,614,188 alleles (0.0053%); highest among the groups gnomAD compares: African/African-American, 0.016%; 1 homozygote.

Submissions (3):

Blueprint Genetics
Classification: Uncertain significance. Last evaluated: 2024-03-05. Review status: criteria provided, single submitter. Criteria: ACMG Guidelines, 2015. Collection method: clinical testing. Allele origin: germline.

Labcorp Genetics (formerly Invitae), Labcorp
Classification: Uncertain significance for Deficiency of malonyl-CoA decarboxylase. Last evaluated: 2022-02-14. Review status: criteria provided, single submitter. Criteria: Invitae Variant Classification Sherloc (09022015). Collection method: clinical testing. Allele origin: germline.
Comment: This sequence change replaces glycine, which is neutral and non-polar, with arginine, which is basic and polar, at codon 193 of the MLYCD protein (p.Gly193Arg). This variant is present in population databases (rs369616872, gnomAD 0.05%). This variant has not been reported in the literature in individuals affected with MLYCD-related conditions. ClinVar contains an entry for this variant (Variation ID: 886312). Algorithms developed to predict the effect of missense changes on protein structure and function (SIFT, PolyPhen-2, Align-GVGD) all suggest that this variant is likely to be disruptive. Algorithms developed to predict the effect of sequence changes on RNA splicing suggest that this variant may create or strengthen a splice site. In summary, the available evidence is currently insufficient to determine the role of this variant in disease. Therefore, it has been classified as a Variant of Uncertain Significance.

Illumina Laboratory Services, Illumina
Classification: Uncertain significance for Deficiency of malonyl-CoA decarboxylase. Last evaluated: 2018-01-13. Review status: criteria provided, single submitter. Criteria: ICSL Variant Classification Criteria 13 December 2019. Collection method: clinical testing. Allele origin: germline.

NM_012213.3(MLYCD):c.577G>A (p.Gly193Arg)

Gene: MLYCD (malonyl-CoA decarboxylase; plus strand). Cytogenetic location: 16q23.3.
Variant type: single nucleotide variant.
Coding change: c.577G>A on transcript NM_012213.3 (MANE Select); coding-DNA position 577, G replaced by A.
Protein change: p.Gly193Arg; replaces glycine 193 with arginine.
Molecular consequence: missense variant.
Genome position (GRCh38, 1-based): chr16:83,907,035, G>A. VCF-style: chr16-83907035-G-A. GRCh37 (hg19) VCF-style: chr16-83940640-G-A.
Other names: short protein forms G193R.
Identifiers: ClinVar variation 886312 (VCV000886312.6), dbSNP rs369616872, ClinGen allele CA8197284.